The following is an entry in ClinVar:

NM_014795.4(ZEB2):c.1907dup (p.Leu636fs)

Gene: ZEB2 (zinc finger E-box binding homeobox 2; minus strand). Cytogenetic location: 2q22.3.
Variant type: Duplication.
Coding change: c.1907dup on transcript NM_014795.4 (MANE Select); coding-DNA position 1907, one base duplicated (T; older notation c.1907dupT).
Protein change: p.Leu636fs; shifts the reading frame from leucine 636.
Molecular consequence: frameshift variant.
Genome position (GRCh38, 1-based): chr2:144,399,280, A duplicated on the plus strand (T on the coding strand, the reverse complement: ZEB2 is on the minus strand); the first of 2 consecutive A bases (chr2:144,399,280-144,399,281); duplicating either gives the same sequence. VCF-style (leftmost placement, unchanged base first): chr2-144399279-C-CA. GRCh37 (hg19) VCF-style: chr2-145156846-C-CA.
Other names: c.1835dup, p.Leu612fs (NM_001171653.2); short protein forms L636fs, L612fs.
Identifiers: ClinVar variation 2707202 (VCV002707202.3), dbSNP rs2549106396, ClinGen allele CA2697551040.

ClinVar aggregate classification (germline): Pathogenic (1 of 4 stars; one submission).

Conditions:
Mowat-Wilson syndrome (MOWS). Also called: Classic Mowat-Wilson Syndrome. Identifiers: Orphanet 2152, MedGen C1856113, MONDO:0009341, OMIM 235730.

Submission:

Labcorp Genetics (formerly Invitae), Labcorp
Classification: Pathogenic for Mowat-Wilson syndrome. Last evaluated: 2023-06-09. Review status: criteria provided, single submitter. Criteria: Invitae Variant Classification Sherloc (09022015). Collection method: clinical testing. Allele origin: germline.
Comment: For these reasons, this variant has been classified as Pathogenic. This variant has not been reported in the literature in individuals affected with ZEB2-related conditions. This variant is not present in population databases (gnomAD no frequency). This sequence change creates a premature translational stop signal (p.Leu636Phefs*7) in the ZEB2 gene. It is expected to result in an absent or disrupted protein product. Loss-of-function variants in ZEB2 are known to be pathogenic (PMID: 16053902).

Literature cited by the submitters: PubMed 16053902.